The following is an entry in ClinVar:

ClinVar aggregate classification (germline): Uncertain significance (1 of 4 stars; one submission).

Allele frequency attached by ClinVar (database versions not stated): gnomAD exomes below 0.00001; TOPMed below 0.00001.
gnomAD v4.1: 1 of 1,613,990 alleles (0.000062%); highest among the groups gnomAD compares: South Asian, 0.0011%; no homozygotes.

Submission:

Labcorp Genetics (formerly Invitae), Labcorp
Classification: Uncertain significance. Last evaluated: 2022-10-24. Review status: criteria provided, single submitter. Criteria: Invitae Variant Classification Sherloc (09022015). Collection method: clinical testing. Allele origin: germline.
Comment: This sequence change replaces valine, which is neutral and non-polar, with leucine, which is neutral and non-polar, at codon 789 of the PCDH15 protein (p.Val789Leu). This variant is present in population databases (no rsID available, gnomAD 0.003%). This variant has not been reported in the literature in individuals affected with PCDH15-related conditions. ClinVar contains an entry for this variant (Variation ID: 1380099). Advanced modeling of protein sequence and biophysical properties (such as structural, functional, and spatial information, amino acid conservation, physicochemical variation, residue mobility, and thermodynamic stability) has been performed at Invitae for this missense variant, however the output from this modeling did not meet the statistical confidence thresholds required to predict the impact of this variant on PCDH15 protein function. In summary, the available evidence is currently insufficient to determine the role of this variant in disease. Therefore, it has been classified as a Variant of Uncertain Significance.

NM_001384140.1(PCDH15):c.2365G>C (p.Val789Leu)

Gene: PCDH15 (protocadherin related 15; minus strand). Cytogenetic location: 10q21.1.
Variant type: single nucleotide variant.
Coding change: c.2365G>C on transcript NM_001384140.1 (MANE Select); coding-DNA position 2365, G replaced by C.
Protein change: p.Val789Leu; replaces valine 789 with leucine.
Molecular consequence: missense variant.
Genome position (GRCh38, 1-based): chr10:54,023,053, C>G on the plus strand (G>C on the coding strand, the complement: PCDH15 is on the minus strand). VCF-style: chr10-54023053-C-G. GRCh37 (hg19) VCF-style: chr10-55782813-C-G.
Other names: c.2380G>C, p.Val794Leu (NM_001142763.2, NM_001142771.2); c.2365G>C, p.Val789Leu (NM_001142764.2, NM_001142766.2, NM_001142770.3 and 5 more transcripts); c.2152G>C, p.Val718Leu (NM_001142765.2); c.2254G>C, p.Val752Leu (NM_001142767.2); c.2299G>C, p.Val767Leu (NM_001142768.2, NM_001142773.2, NM_001354404.2); c.2401G>C, p.Val801Leu (NM_001142769.4); c.2386G>C, p.Val796Leu (NM_001354411.2); short protein forms V801L, V718L, V789L, V752L, V794L, V796L, V767L.
Identifiers: ClinVar variation 1380099 (VCV001380099.5), dbSNP rs1199463939, ClinGen allele CA376523556.
Genomic context (GRCh38, chr10:54,023,053, plus strand): 5'-CCTTGATGGCCAAGGTTAGAGTTGAATGACGAGGGTGTACTGCTCCATCTGTTGCCACAA[C>G]AACAAGTTCATAGTAGTCCCTGACTTCTCTGTTAAGCTTCACTGCTGTGTAAATGCTCCC-3'
Protein context (NP_001371069.1, residues 779-799): REVRDYYELV[Val789Leu]VATDGAVHPR